The following is an entry in ClinVar:

ClinVar aggregate classification (germline): Likely pathogenic. Review status: reviewed by expert panel (3 of 4 stars). 5 submissions from 5 submitters: Likely pathogenic (1). 4 of the submissions do not count toward it. Last evaluated 2025-10-01.

Conditions:
Anauxetic dysplasia. Identifiers: Orphanet 93347, MedGen C1846796, MONDO:0011773.
Cartilage-hair hypoplasia-anauxetic dysplasia spectrum disorders. Identifiers: MedGen CN118832.
Metaphyseal chondrodysplasia, McKusick type (CHH). Also called: Cartilage-hair hypoplasia; Cartilage-Hair Hypoplasia (CHH). Identifiers: Orphanet 175, MedGen C0220748, MONDO:0009595, OMIM 250250.

Allele frequency attached by ClinVar (database versions not stated): TOPMed 0.00006.
gnomAD v4.1: 15 of 692,318 alleles (0.0022%); highest among the groups gnomAD compares: Non-Finnish European, 0.0034%; no homozygotes.

Submissions (5):

ClinGen Severe Combined Immunodeficiency Variant Curation Expert Panel, ClinGen
Classification: Likely pathogenic for Metaphyseal chondrodysplasia, McKusick type. Last evaluated: 2025-10-01. Review status: reviewed by expert panel. Criteria: ClinGen SCID ACMG Specifications RMRP V1.2.0. Collection method: curation. Allele origin: germline. Inheritance: Autosomal recessive inheritance.
Comment: The variant NC_000009.12:g.35657807G>C, also known as n.212C>G, n.213C>G, and n.211C>G, is present in gnomAD v.4.1 at a Grpmax Filtering Allele frequency of 0.00001984, which is lower than the ClinGen SCID VCEP specified PM2_Supporting threshold of <0.0000447. Therefore, this criterion is met. At least one patient with this variant presents Metaphyseal dysplasia (1 point), Hypotrichosis (0.5 points), and T cell lymphocytopenia (0.5 points), for a total of 2 points, meeting PP4_Moderate (PMID: 16838329). This variant is in trans with the variants n.70A>G in two families (+2.0 points), n.230T in one family (+0.25 points) (PMID: 12107819), n.182G>T in 1 proband (+0.25 points)( PMID: 16838329) and n.262G>T in 1 patient (+0.25 points) (MID: 23810098) reaching a total of 2.75 points and therefore PM3_Strong is met. In summary, this variant is classified as Likely Pathogenic for Autosomal recessive Cartilage Hair Hypoplasia based on the ACMG/AMP criteria applied, as specified by the ClinGen SCID VCEP: PM2_Supporting, PP4_Moderate, PM3_Strong (VCEP specifications version 1). NR_003051.3 is the historic transcript with the first nucleotide of the transcribed non-coding RNA that differs from the current MANE transcript, namely NR_003051.4. In this curation, NR_003051.3 was used in the following PMID(s): 12107819 , 23810098 . NR_003051.4 was used in PMID(s) 16838329.

Labcorp Genetics (formerly Invitae), Labcorp
Classification: Likely pathogenic for Anauxetic dysplasia. Last evaluated: 2025-12-07. Review status: criteria provided, single submitter. Criteria: Invitae Variant Classification Sherloc (09022015). Collection method: clinical testing. Allele origin: germline. Not counted in ClinVar's aggregate classification.
Comment: This variant occurs in the RMRP gene, which encodes an RNA molecule that does not result in a protein product. This variant is not present in population databases (gnomAD no frequency). This variant has been observed in individual(s) with cartilage-hair hypoplasia-anauxetic dysplasia spectrum disorders (PMID: 12107819, 16838329). In at least one individual the data is consistent with being in trans (on the opposite chromosome) from a pathogenic variant. This variant is also known as 211C>G. ClinVar contains an entry for this variant (Variation ID: 632970). In summary, the currently available evidence indicates that the variant is pathogenic, but additional data are needed to prove that conclusively. Therefore, this variant has been classified as Likely Pathogenic.

Natera, Inc.
Classification: Likely pathogenic for Cartilage-hair hypoplasia. Last evaluated: 2025-11-17. Review status: criteria provided, single submitter. Criteria: Natera Variant Classification Schema (03/2026). Collection method: clinical testing. Allele origin: germline. Not counted in ClinVar's aggregate classification.
Comment: The n.212C>G variant in RMRP is characterized as a single nucleotide variant (SNV). This variant is rare in the general population with a frequency below the threshold expected for the associated phenotype(s). This variant has been observed in one or more individuals affected with the associated recessive disease, as either homozygous or compound heterozygous with a second variant (PMID: 12107819, 16838329). Given the available evidence, this variant is classified as Likely Pathogenic.

Women's Health and Genetics/Laboratory Corporation of America, LabCorp
Classification: Likely pathogenic for Metaphyseal chondrodysplasia, McKusick type. Last evaluated: 2023-05-05. Review status: criteria provided, single submitter. Criteria: LabCorp Variant Classification Summary - May 2015. Collection method: clinical testing. Allele origin: germline. Not counted in ClinVar's aggregate classification.
Comment: Variant summary: RMRP n.212C>G alters a conserved nucleotide located in the transcribed region of the RNA component of the mitochondrial RNA processing ribonuclease (RMRP) gene. An evolutionary comparison using multiple species alignment of the RMRP transcribed region reported that putative pathogenic mutations are located in highly conserved nucleotides of the RMRP gene (Bonafe_2005). The variant allele was found at a frequency of 7.8e-06 in 128996 control chromosomes (gnomAD). The available data on variant occurrences in the general population are insufficient to allow any conclusion about variant significance. n.212C>G has been reported in the literature as a compound heterozygous genotype in individuals affected with Cartilage-Hair Hypoplasia (e.g., Hermanns_2006, Ridanpaa_2002, Kwan_2013). These data indicate that the variant is likely to be associated with disease. To our knowledge, no experimental evidence demonstrating an impact on protein function has been reported. The following publications have been ascertained in the context of this evaluation (PMID: 16244706, 16838329, 12107819, 17701897, 21396580, 23810098). Three ClinVar submitters (evaluation after 2014) have cited the variant, and all laboratories classified the variant as either pathogenic (n = 1) or likely pathogenic (n = 2). Based on the evidence outlined above, the variant was classified as likely pathogenic.

Illumina Laboratory Services, Illumina
Classification: Pathogenic for cartilage-hair hypoplasia-anauxetic dysplasia spectrum disorders. Last evaluated: 2021-01-29. Review status: criteria provided, single submitter. Criteria: ICSLVariantClassificationCriteria RUGD 01 April 2020. Collection method: clinical testing. Allele origin: unknown. Not counted in ClinVar's aggregate classification.
Comment: The RMRP n.212C>G variant, which is also referred to as n.211C>G, is a single nucleotide substitution within the transcribed region that has been reported in a compound heterozygous state in four unrelated individuals with cartilage-hair hypoplasia (RidanpÃ¤Ã¤ et al. 2002; Hermanns et al. 2006). It is reported at a frequency of 0.000096 in the East Asian population of the Genome Aggregation Database, but this frequency is based on one allele only in a region of good sequencing coverage so the variant is presumed to be rare. The n.212C>G variant affects a highly conserved nucleotide that is immediately adjacent to a region of base-pairing stems and is expected to compromise the hairpin structure topology (Thiel et al. 2007); however, its consequences have not been investigated experimentally. Based on the collective evidence, the n.212C>G variant is classified as pathogenic for cartilage-hair hypoplasia-anauxetic dysplasia spectrum disorders.

Literature cited by the submitters: PubMed 12107819 (cited by 4 submitters); PubMed 16838329 (cited by 4 submitters); PubMed 23810098 (cited by Women's Health and Genetics/Laboratory Corporation of America, LabCorp); PubMed 16244706 (cited by Women's Health and Genetics/Laboratory Corporation of America, LabCorp); PubMed 17701897 (cited by Women's Health and Genetics/Laboratory Corporation of America, LabCorp and Illumina Laboratory Services, Illumina); PubMed 21396580 (cited by Women's Health and Genetics/Laboratory Corporation of America, LabCorp).

NR_003051.4(RMRP):n.213C>G

Gene: RMRP (RNA component of mitochondrial RNA processing endoribonuclease; minus strand). Cytogenetic location: 9p13.3.
Variant type: single nucleotide variant.
Genome position: GRCh38 VCF-style: chr9-35657807-G-C. GRCh37 (hg19) VCF-style: chr9-35657804-G-C.
Identifiers: ClinVar variation 632970 (VCV000632970.16), dbSNP rs192060920, ClinGen allele CA464450521.